The following is an entry in ClinVar:

NM_001040151.2(SCN3B):c.260C>G (p.Pro87Arg)

Gene: SCN3B (sodium voltage-gated channel beta subunit 3; minus strand). Cytogenetic location: 11q24.1.
Variant type: single nucleotide variant.
Coding change: c.260C>G on transcript NM_001040151.2 (MANE Select); coding-DNA position 260, C replaced by G.
Protein change: p.Pro87Arg; replaces proline 87 with arginine.
Molecular consequence: missense variant.
Genome position (GRCh38, 1-based): chr11:123,642,631, G>C on the plus strand (C>G on the coding strand, the complement: SCN3B is on the minus strand). VCF-style: chr11-123642631-G-C. GRCh37 (hg19) VCF-style: chr11-123513339-G-C.
Other names: c.260C>G, p.Pro87Arg (NM_018400.4); short protein forms P87R.
Identifiers: ClinVar variation 1444334 (VCV001444334.8), dbSNP rs371050389, ClinGen allele CA6334047.

ClinVar aggregate classification (germline): Uncertain significance. Review status: criteria provided, multiple submitters, no conflicts (2 of 4 stars). 3 submissions from 3 submitters: Uncertain significance (3). Last evaluated 2025-02-23.

Conditions:
Cardiovascular phenotype. Identifiers: MedGen CN230736.
Brugada syndrome 7 (BRGDA7). Identifiers: Orphanet 130, MedGen C2751088, MONDO:0013146, OMIM 613120.

Allele frequency attached by ClinVar (database versions not stated): gnomAD 0.00001; gnomAD exomes 0.00001; ESP Exome Variant Server 0.00008; TOPMed below 0.00001; ExAC 0.00002.
gnomAD v4.1: 18 of 1,614,048 alleles (0.0011%); highest among the groups gnomAD compares: Non-Finnish European, 0.0014%; no homozygotes.

Submissions (3):

Ambry Genetics
Classification: Uncertain significance for Cardiovascular phenotype. Last evaluated: 2025-02-23. Review status: criteria provided, single submitter. Criteria: Ambry Variant Classification Scheme 2023. Collection method: clinical testing. Allele origin: germline.
Comment: The p.P87R variant (also known as c.260C>G), located in coding exon 3 of the SCN3B gene, results from a C to G substitution at nucleotide position 260. The proline at codon 87 is replaced by arginine, an amino acid with dissimilar properties. This amino acid position is conserved. In addition, this alteration is predicted to be tolerated by in silico analysis. Since supporting evidence is limited at this time, the clinical significance of this alteration remains unclear.

Labcorp Genetics (formerly Invitae), Labcorp
Classification: Uncertain significance for Brugada syndrome 7. Last evaluated: 2021-11-10. Review status: criteria provided, single submitter. Criteria: Invitae Variant Classification Sherloc (09022015). Collection method: clinical testing. Allele origin: germline.
Comment: Algorithms developed to predict the effect of missense changes on protein structure and function (SIFT, PolyPhen-2, Align-GVGD) all suggest that this variant is likely to be tolerated. In summary, the available evidence is currently insufficient to determine the role of this variant in disease. Therefore, it has been classified as a Variant of Uncertain Significance. This variant has not been reported in the literature in individuals affected with SCN3B-related conditions. This variant is present in population databases (rs371050389, gnomAD 0.002%). This sequence change replaces proline, which is neutral and non-polar, with arginine, which is basic and polar, at codon 87 of the SCN3B protein (p.Pro87Arg).

Fulgent Genetics
Classification: Uncertain significance for Brugada syndrome 7. Last evaluated: 2021-10-28. Review status: criteria provided, single submitter. Criteria: ACMG Guidelines, 2015. Collection method: clinical testing. Allele origin: unknown.